The following is an entry in ClinVar:

ClinVar aggregate classification (germline): Uncertain significance. Review status: criteria provided, multiple submitters, no conflicts (2 of 4 stars). 2 submissions from 2 submitters: Uncertain significance (2). Last evaluated 2025-08-04.

Allele frequency attached by ClinVar (database versions not stated): gnomAD 0.00001 and 0.00002; 1000 Genomes Project 30x 0.00016; 1000 Genomes Project 0.00020; ESP Exome Variant Server 0.00023.
gnomAD v4.1: 35 of 1,614,132 alleles (0.0022%); highest among the groups gnomAD compares: Admixed American, 0.018%; no homozygotes.

Submissions (2):

Labcorp Genetics (formerly Invitae), Labcorp
Classification: Uncertain significance. Last evaluated: 2025-08-04. Review status: criteria provided, single submitter. Criteria: Invitae Variant Classification Sherloc (09022015). Collection method: clinical testing. Allele origin: germline.
Comment: This sequence change replaces arginine, which is basic and polar, with cysteine, which is neutral and slightly polar, at codon 3793 of the HMCN1 protein (p.Arg3793Cys). This variant is present in population databases (rs147547755, gnomAD 0.03%). This variant has not been reported in the literature in individuals affected with HMCN1-related conditions. ClinVar contains an entry for this variant (Variation ID: 1450323). An algorithm developed to predict the effect of missense changes on protein structure and function (PolyPhen-2) suggests that this variant is likely to be disruptive. In summary, the available evidence is currently insufficient to determine the role of this variant in disease. Therefore, it has been classified as a Variant of Uncertain Significance.

Ambry Genetics
Classification: Uncertain significance. Last evaluated: 2024-09-11. Review status: criteria provided, single submitter. Criteria: Ambry Variant Classification Scheme 2023. Collection method: clinical testing. Allele origin: germline.

NM_031935.3(HMCN1):c.11377C>T (p.Arg3793Cys)

Gene: HMCN1 (hemicentin 1; plus strand). Cytogenetic location: 1q31.1.
Variant type: single nucleotide variant.
Coding change: c.11377C>T on transcript NM_031935.3 (MANE Select); coding-DNA position 11377, C replaced by T.
Protein change: p.Arg3793Cys; replaces arginine 3793 with cysteine.
Molecular consequence: missense variant.
Genome position (GRCh38, 1-based): chr1:186,114,919, C>T. VCF-style: chr1-186114919-C-T. GRCh37 (hg19) VCF-style: chr1-186084051-C-T.
Other names: c.11377C>T (NM_031935.2); short protein forms R3793C.
Identifiers: ClinVar variation 1450323 (VCV001450323.8), dbSNP rs147547755, ClinGen allele CA1294017.